The following is an entry in ClinVar:

NM_138694.4(PKHD1):c.52+10A>G

Gene: PKHD1 (PKHD1 ciliary IPT domain containing fibrocystin/polyductin; minus strand). Cytogenetic location: 6p12.2.
Variant type: single nucleotide variant.
Coding change: c.52+10A>G on transcript NM_138694.4 (MANE Select); 10 bases into the intron after coding-DNA position 52, A replaced by G.
Molecular consequence: intron variant.
Genome position (GRCh38, 1-based): chr6:52,084,872, T>C on the plus strand (A>G on the coding strand, the complement: PKHD1 is on the minus strand). VCF-style: chr6-52084872-T-C. GRCh37 (hg19) VCF-style: chr6-51949670-T-C.
Other names: c.52+10A>G (NM_170724.3).
Identifiers: ClinVar variation 3033671 (VCV003033671.2), dbSNP rs369289368, ClinGen allele CA3854069.

ClinVar aggregate classification (germline): Uncertain significance (0 of 4 stars; one submission).

Conditions:
PKHD1-related disorder. Also called: PKHD1-related condition.

Allele frequency attached by ClinVar (database versions not stated): gnomAD exomes below 0.00001; ExAC 0.00002; gnomAD 0.00003; TOPMed 0.00004; ESP Exome Variant Server 0.00015.
gnomAD v4.1: 7 of 1,561,666 alleles (0.00045%); highest among the groups gnomAD compares: African/African-American, 0.0068%; no homozygotes.

Submission:

PreventionGenetics, part of Exact Sciences
Classification: Uncertain significance for PKHD1-related condition. Last evaluated: 2023-12-18. Review status: no assertion criteria provided. Collection method: clinical testing. Allele origin: germline.
Comment: The PKHD1 c.52+10A>G variant is predicted to interfere with splicing. To our knowledge, this variant has not been reported in the literature. This variant is reported in 0.016% of alleles in individuals of African descent in gnomAD. However, the use of computer prediction programs is not equivalent to functional evidence, and therefore the clinical significance of this variant is uncertain.